The following is an entry in ClinVar:

ClinVar aggregate classification (germline): Uncertain significance (1 of 4 stars; one submission).

Conditions:
Inborn genetic diseases. Identifiers: MedGen C0950123, MeSH D030342.

Submission:

Ambry Genetics
Classification: Uncertain significance for Inborn genetic diseases. Last evaluated: 2020-07-29. Review status: criteria provided, single submitter. Criteria: Ambry Variant Classification Scheme 2023. Collection method: clinical testing. Allele origin: germline.
Comment: The p.I405T variant (also known as c.1214T>C), located in coding exon 7 of the INF2 gene, results from a T to C substitution at nucleotide position 1214. The isoleucine at codon 405 is replaced by threonine, an amino acid with similar properties. This amino acid position is poorly conserved in available vertebrate species. In addition, this alteration is predicted to be tolerated by in silico analysis. Since supporting evidence is limited at this time, the clinical significance of this alteration remains unclear.

NM_022489.4(INF2):c.1214T>C (p.Ile405Thr)

Gene: INF2 (inverted formin 2; plus strand). Cytogenetic location: 14q32.33.
Variant type: single nucleotide variant.
Coding change: c.1214T>C on transcript NM_022489.4 (MANE Select); coding-DNA position 1214, T replaced by C.
Protein change: p.Ile405Thr; replaces isoleucine 405 with threonine.
Molecular consequence: missense variant.
Genome position (GRCh38, 1-based): chr14:104,707,481, T>C. VCF-style: chr14-104707481-T-C. GRCh37 (hg19) VCF-style: chr14-105173818-T-C.
Other names: c.1214T>C, p.Ile405Thr (NM_001031714.4); short protein forms I405T.
Identifiers: ClinVar variation 1751240 (VCV001751240.2), dbSNP rs2541918369, ClinGen allele CA391216169.